The following is an entry in ClinVar:

ClinVar aggregate classification (germline): Uncertain significance. Review status: criteria provided, multiple submitters, no conflicts (2 of 4 stars). 2 submissions from 2 submitters: Uncertain significance (2). Last evaluated 2023-07-28.

Conditions:
Hereditary cancer-predisposing syndrome. Also called: Tumor predisposition; Neoplastic Syndromes, Hereditary; Hereditary Cancer Syndrome; Hereditary neoplastic syndrome. Identifiers: Orphanet 140162, MedGen C0027672, MeSH D009386, MONDO:0015356.
Juvenile polyposis syndrome (JPS). Identifiers: Orphanet 2929, MedGen C0345893, MONDO:0017380, OMIM 174900.

Submissions (2):

Labcorp Genetics (formerly Invitae), Labcorp
Classification: Uncertain significance for Juvenile polyposis syndrome. Last evaluated: 2023-07-28. Review status: criteria provided, single submitter. Criteria: Invitae Variant Classification Sherloc (09022015). Collection method: clinical testing. Allele origin: germline.
Comment: This sequence change replaces glutamine, which is neutral and polar, with histidine, which is basic and polar, at codon 442 of the SMAD4 protein (p.Gln442His). This variant is not present in population databases (gnomAD no frequency). This variant has not been reported in the literature in individuals affected with SMAD4-related conditions. ClinVar contains an entry for this variant (Variation ID: 629985). Advanced modeling of protein sequence and biophysical properties (such as structural, functional, and spatial information, amino acid conservation, physicochemical variation, residue mobility, and thermodynamic stability) has been performed at Invitae for this missense variant, however the output from this modeling did not meet the statistical confidence thresholds required to predict the impact of this variant on SMAD4 protein function. Algorithms developed to predict the effect of sequence changes on RNA splicing suggest that this variant may create or strengthen a splice site. In summary, the available evidence is currently insufficient to determine the role of this variant in disease. Therefore, it has been classified as a Variant of Uncertain Significance.

Color Diagnostics, LLC DBA Color Health
Classification: Uncertain significance for Hereditary cancer-predisposing syndrome. Last evaluated: 2019-04-24. Review status: criteria provided, single submitter. Criteria: ACMG Guidelines, 2015. Collection method: clinical testing. Allele origin: germline.

NM_005359.6(SMAD4):c.1326G>C (p.Gln442His)

Gene: SMAD4 (SMAD family member 4; plus strand). Cytogenetic location: 18q21.2.
Variant type: single nucleotide variant.
Coding change: c.1326G>C on transcript NM_005359.6 (MANE Select); coding-DNA position 1326, G replaced by C.
Protein change: p.Gln442His; replaces glutamine 442 with histidine.
Molecular consequence: missense variant.
Genome position (GRCh38, 1-based): chr18:51,076,655, G>C. VCF-style: chr18-51076655-G-C. GRCh37 (hg19) VCF-style: chr18-48603025-G-C.
Other names: short protein forms Q442H.
Identifiers: ClinVar variation 629985 (VCV000629985.8), dbSNP rs1568211178, ClinGen allele CA402465138.